The following is an entry in ClinVar:

NM_004656.4(BAP1):c.1242T>C (p.Ser414=)

Gene: BAP1 (BRCA1 associated deubiquitinase 1; minus strand). Cytogenetic location: 3p21.1.
Variant type: single nucleotide variant.
Coding change: c.1242T>C on transcript NM_004656.4 (MANE Select); coding-DNA position 1242, T replaced by C.
Protein change: p.Ser414=; no amino-acid change (serine 414 retained).
Molecular consequence: synonymous variant.
Genome position (GRCh38, 1-based): chr3:52,404,461, A>G on the plus strand (T>C on the coding strand, the complement: BAP1 is on the minus strand). VCF-style: chr3-52404461-A-G. GRCh37 (hg19) VCF-style: chr3-52438477-A-G.
Other names: c.1242T>C (NM_004656.2).
Identifiers: ClinVar variation 1634887 (VCV001634887.30), dbSNP rs2153226828, ClinGen allele CA433773886.
Genomic context (GRCh38, chr3:52,404,461, plus strand): 5'-GGATGGGATCCGAAGCACCTAGAACCTGGTAGCCTTAGAAAGCTGGGCTGACCTAAGGGC[A>G]GAGTTGGTGTTCTGCACGTCATCCTCCTCGTCATCCTCATAGTCATCCTCATCATCTGAG-3'
Protein context (NP_004647.1, residues 404-424): DEEDDVQNTN[Ser414=]ALRYKGKGTG

ClinVar aggregate classification (germline): Benign/Likely benign. Review status: criteria provided, multiple submitters, no conflicts (2 of 4 stars). 4 submissions from 4 submitters: Benign (1); Likely benign (3). Last evaluated 2024-07-16.

Conditions:
BAP1-related tumor predisposition syndrome (TPDS1). Also called: BAP1 tumor predisposition syndrome; TUMOR PREDISPOSITION SYNDROME 1; Tumor susceptibility linked to germline BAP1 mutations; COMMON Syndrome. Identifiers: Orphanet 289539, MedGen C3280492, MONDO:0013692, OMIM 614327.
Hereditary cancer-predisposing syndrome. Also called: Hereditary Cancer Syndrome; Neoplastic Syndromes, Hereditary; Hereditary neoplastic syndrome; Tumor predisposition. Identifiers: Orphanet 140162, MedGen C0027672, MeSH D009386, MONDO:0015356.

Submissions (4):

Myriad Genetics, Inc.
Classification: Benign for BAP1-related tumor predisposition syndrome. Last evaluated: 2024-07-16. Review status: criteria provided, single submitter. Criteria: Myriad Autosomal Dominant, Autosomal Recessive and X-Linked Classification Criteria (2023). Collection method: clinical testing. Allele origin: unknown.
Comment: This variant is considered benign. This variant is a silent/synonymous amino acid change and it is not expected to impact splicing.

CeGaT Center for Human Genetics Tuebingen
Classification: Likely benign. Last evaluated: 2024-04-01. Review status: criteria provided, single submitter. Criteria: CeGaT Center For Human Genetics Tuebingen Variant Classification Criteria Version 2. Collection method: clinical testing. Allele origin: germline. Affected: yes. Observed: 1 variant allele.
Comment: BAP1: PM2:Supporting, BP4, BP7

Ambry Genetics
Classification: Likely benign for Hereditary cancer-predisposing syndrome. Last evaluated: 2023-02-24. Review status: criteria provided, single submitter. Criteria: Ambry Variant Classification Scheme 2023. Collection method: clinical testing. Allele origin: germline.

Labcorp Genetics (formerly Invitae), Labcorp
Classification: Likely benign for BAP1-related tumor predisposition syndrome. Last evaluated: 2021-02-18. Review status: criteria provided, single submitter. Criteria: Invitae Variant Classification Sherloc (09022015). Collection method: clinical testing. Allele origin: germline.